The following is an entry in ClinVar:

NM_000785.4(CYP27B1):c.1358G>T (p.Arg453Leu)

Gene: CYP27B1 (cytochrome P450 family 27 subfamily B member 1; minus strand). Cytogenetic location: 12q14.1.
Variant type: single nucleotide variant.
Coding change: c.1358G>T on transcript NM_000785.4 (MANE Select); coding-DNA position 1358, G replaced by T.
Protein change: p.Arg453Leu; replaces arginine 453 with leucine.
Molecular consequence: missense variant.
Genome position (GRCh38, 1-based): chr12:57,763,666, C>A on the plus strand (G>T on the coding strand, the complement: CYP27B1 is on the minus strand). VCF-style: chr12-57763666-C-A. GRCh37 (hg19) VCF-style: chr12-58157449-C-A.
Other names: short protein forms R453L.
Identifiers: ClinVar variation 1067033 (VCV001067033.9), dbSNP rs759208930, ClinGen allele CA385500827.

ClinVar aggregate classification (germline): Likely pathogenic (1 of 4 stars; one submission).

gnomAD v4.1: 2 of 1,613,922 alleles (0.00012%); highest among the groups gnomAD compares: African/African-American, 0.0013%; no homozygotes.

Submission:

Labcorp Genetics (formerly Invitae), Labcorp
Classification: Likely pathogenic. Last evaluated: 2023-09-08. Review status: criteria provided, single submitter. Criteria: Invitae Variant Classification Sherloc (09022015). Collection method: clinical testing. Allele origin: germline.
Comment: This variant is not present in population databases (gnomAD no frequency). This sequence change replaces arginine, which is basic and polar, with leucine, which is neutral and non-polar, at codon 453 of the CYP27B1 protein (p.Arg453Leu). This missense change has been observed in individual(s) with clinical features of vitamin D-dependent rickets (Invitae). In summary, the currently available evidence indicates that the variant is pathogenic, but additional data are needed to prove that conclusively. Therefore, this variant has been classified as Likely Pathogenic. This variant disrupts the p.Arg453 amino acid residue in CYP27B1. Other variant(s) that disrupt this residue have been observed in individuals with CYP27B1-related conditions (PMID: 9837822, 20926527), which suggests that this may be a clinically significant amino acid residue. Advanced modeling of protein sequence and biophysical properties (such as structural, functional, and spatial information, amino acid conservation, physicochemical variation, residue mobility, and thermodynamic stability) performed at Invitae indicates that this missense variant is expected to disrupt CYP27B1 protein function. ClinVar contains an entry for this variant (Variation ID: 1067033).

Literature cited by the submitters: PubMed 9837822; PubMed 20926527.